The following is an entry in ClinVar:

ClinVar aggregate classification (germline): Pathogenic. Review status: criteria provided, multiple submitters, no conflicts (2 of 4 stars). 2 submissions from 2 submitters: Pathogenic (2). Last evaluated 2026-07-08.

Conditions:
Monogenic hearing loss.

gnomAD v4.1: 1 of 1,605,582 alleles (0.000062%); highest among the groups gnomAD compares: Non-Finnish European, 0.000085%; no homozygotes.

Submissions (2):

Genetics Laboratory, Great Ormond Street Hospital NHS Foundation Trust, North Thames Genomic Laboratory Hub
Classification: Pathogenic for Monogenic hearing loss. Last evaluated: 2026-07-08. Review status: criteria provided, single submitter. Criteria: ACGS Best Practice Guidelines for Variant Classification in Rare Disease 2024 v1.2. Collection method: clinical testing. Allele origin: germline. Affected: yes.
Comment: PS4_supporting, PM2_moderate, PVS1_very-strong

GeneDx
Classification: Pathogenic. Last evaluated: 2026-01-28. Review status: criteria provided, single submitter. Criteria: GeneDx Variant Classification Process June 2021. Collection method: clinical testing. Allele origin: germline.
Comment: Canonical splice site variant predicted to result in a null allele in a gene for which loss of function is a known mechanism of disease; Not observed at significant frequency in large population cohorts (gnomAD); This variant is associated with the following publications: (PMID: 24123792, 28000701)

NM_004999.4(MYO6):c.1546+1G>T

Gene: MYO6 (myosin VI; plus strand). Cytogenetic location: 6q14.1.
Variant type: single nucleotide variant.
Coding change: c.1546+1G>T on transcript NM_004999.4 (MANE Select); the canonical splice donor site of the intron after coding-DNA position 1546, G replaced by T.
Molecular consequence: splice donor variant.
Genome position (GRCh38, 1-based): chr6:75,861,096, G>T. VCF-style: chr6-75861096-G-T. GRCh37 (hg19) VCF-style: chr6-76570813-G-T.
Other names: c.1546+1G>T (NM_001368865.1, NM_001368866.1, NM_001368137.1 and 2 more transcripts); c.1531+1G>T (NM_001368138.1).
Identifiers: ClinVar variation 4887837 (VCV004887837.2).